The following is an entry in ClinVar:

ClinVar aggregate classification (germline): Uncertain significance (1 of 4 stars; one submission).

Conditions:
ISL1-related disorder. Also called: ISL1-related condition.

Submission:

PreventionGenetics, part of Exact Sciences
Classification: Uncertain significance for ISL1-related condition. Last evaluated: 2025-07-26. Review status: criteria provided, single submitter. Criteria: ACMG Guidelines, 2015. Collection method: clinical testing. Allele origin: germline.
Comment: The ISL1 c.157G>C variant is predicted to result in the amino acid substitution p.Asp53His. To our knowledge, this variant has not been reported in the literature or in a large population database (gnomAD), indicating this variant is rare. At this time, the clinical significance of this variant is uncertain due to the absence of conclusive functional and genetic evidence.

NM_002202.3(ISL1):c.157G>C (p.Asp53His)

Gene: ISL1 (ISL LIM homeobox 1; plus strand). Cytogenetic location: 5q11.1.
Variant type: single nucleotide variant.
Coding change: c.157G>C on transcript NM_002202.3 (MANE Select); coding-DNA position 157, G replaced by C.
Protein change: p.Asp53His; replaces aspartic acid 53 with histidine.
Molecular consequence: missense variant.
Genome position (GRCh38, 1-based): chr5:51,384,669, G>C. VCF-style: chr5-51384669-G-C. GRCh37 (hg19) VCF-style: chr5-50680503-G-C.
Other names: short protein forms D53H.
Identifiers: ClinVar variation 4997128 (VCV004997128.1).
Genomic context (GRCh38, chr5:51,384,669, plus strand): 5'-TCTCCGGATTTGGAATGGCATGCGGCATGTTTGAAATGTGCGGAGTGTAATCAGTATTTG[G>C]ACGAGAGCTGTACATGCTTTGTTAGGGATGGGAAAACCTACTGTAAAAGAGATTATATCA-3'
Protein context (NP_002193.2, residues 43-63): LKCAECNQYL[Asp53His]ESCTCFVRDG